The following is an entry in ClinVar:

NM_005585.5(SMAD6):c.800G>A (p.Ser267Asn)

Gene: SMAD6 (SMAD family member 6; plus strand). Cytogenetic location: 15q22.31.
Variant type: single nucleotide variant.
Coding change: c.800G>A on transcript NM_005585.5 (MANE Select); coding-DNA position 800, G replaced by A.
Protein change: p.Ser267Asn; replaces serine 267 with asparagine.
Molecular consequence: missense variant. On other transcripts: non-coding transcript variant (1).
Genome position (GRCh38, 1-based): chr15:66,704,058, G>A. VCF-style: chr15-66704058-G-A. GRCh37 (hg19) VCF-style: chr15-66996396-G-A.
Other names: short protein forms S267N.
Identifiers: ClinVar variation 690411 (VCV000690411.2), dbSNP rs1396117157, ClinGen allele CA392950275.

ClinVar aggregate classification (germline): Uncertain significance (0 of 4 stars; one submission).

Conditions:
Radioulnar synostosis. Also called: Congenital radioulnar synostosis. Identifiers: Orphanet 3269, MedGen C0158761, MONDO:0017985, HP:0002974.

Allele frequency attached by ClinVar (database versions not stated): TOPMed below 0.00001; gnomAD exomes 0.00001.
gnomAD v4.1: 3 of 1,501,042 alleles (0.0002%); highest among the groups gnomAD compares: Admixed American, 0.0021%; no homozygotes.

Submission:

The Laboratory of Genetics and Metabolism, Hunan Children’s Hospital
Classification: Uncertain significance for radioulnar synostosis. Last evaluated: 2019-05-14. Review status: no assertion criteria provided. Collection method: case-control. Allele origin: unknown. Affected: yes.
Comment: PM1, PM2, PP3